The following is an entry in ClinVar:

ClinVar aggregate classification (germline): Benign/Likely benign. Review status: criteria provided, multiple submitters, no conflicts (2 of 4 stars). 2 submissions from 2 submitters: Benign (1); Likely benign (1). Last evaluated 2024-06-07.

Conditions:
Ataxia-telangiectasia syndrome (AT). Also called: AT, COMPLEMENTATION GROUP C; Ataxia-telangiectasia, complementation group D; ATAXIA-TELANGIECTASIA, COMPLEMENTATION GROUP A; ATAXIA-TELANGIECTASIA, FRESNO VARIANT; Ataxia-telangiectasia; Ataxia-telangiectasia, complementation group E. Identifiers: Orphanet 100, MedGen C0004135, MONDO:0008840, OMIM 208900.
Familial cancer of breast. Also called: hereditary breast carcinoma; BREAST CANCER, FAMILIAL; Hereditary breast cancer. Identifiers: Orphanet 227535, MedGen C0346153, MONDO:0016419, OMIM 114480. Disease mechanism: loss of function.

Submissions (2):

Myriad Genetics, Inc.
Classification: Benign for Familial cancer of breast. Last evaluated: 2024-06-07. Review status: criteria provided, single submitter. Criteria: Myriad Autosomal Dominant, Autosomal Recessive and X-Linked Classification Criteria (2023). Collection method: clinical testing. Allele origin: unknown.
Comment: This variant is considered benign. This variant is a silent/synonymous amino acid change and it is not expected to impact splicing.

Labcorp Genetics (formerly Invitae), Labcorp
Classification: Likely benign for Ataxia-telangiectasia syndrome. Last evaluated: 2024-03-01. Review status: criteria provided, single submitter. Criteria: Invitae Variant Classification Sherloc (09022015). Collection method: clinical testing. Allele origin: germline.

NM_000051.4(ATM):c.6561G>A (p.Glu2187=)

Genes: ATM (ATM serine/threonine kinase; plus strand), C11orf65 (chromosome 11 open reading frame 65; minus strand). Cytogenetic location: 11q22.3.
Variant type: single nucleotide variant.
Coding change: c.6561G>A on transcript NM_000051.4 (MANE Select); coding-DNA position 6561, G replaced by A.
Protein change: p.Glu2187=; no amino-acid change (glutamic acid 2187 retained).
Molecular consequence: synonymous variant. On other transcripts: intron variant (2).
Genome position (GRCh38, 1-based): chr11:108,321,409, G>A. VCF-style: chr11-108321409-G-A. GRCh37 (hg19) VCF-style: chr11-108192136-G-A.
Other names: c.6561G>A, p.Glu2187= (NM_001351834.2); c.641-12338C>T (NM_001330368.2); c.*39-12338C>T (NM_001351110.2).
Identifiers: ClinVar variation 3254020 (VCV003254020.3), dbSNP rs2136243148.